The following is an entry in ClinVar:

NM_020832.3(ZNF687):c.687T>G (p.His229Gln)

Gene: ZNF687 (zinc finger protein 687; plus strand). Cytogenetic location: 1q21.3.
Variant type: single nucleotide variant.
Coding change: c.687T>G on transcript NM_020832.3 (MANE Select); coding-DNA position 687, T replaced by G.
Protein change: p.His229Gln; replaces histidine 229 with glutamine.
Molecular consequence: missense variant.
Genome position (GRCh38, 1-based): chr1:151,286,978, T>G. VCF-style: chr1-151286978-T-G. GRCh37 (hg19) VCF-style: chr1-151259454-T-G.
Other names: c.687T>G, p.His229Gln (NM_001304763.2, NM_001304764.2); short protein forms H229Q.
Identifiers: ClinVar variation 2961955 (VCV002961955.3), dbSNP rs776328633, ClinGen allele CA1088198.
Genomic context (GRCh38, chr1:151,286,978, plus strand): 5'-GCAGCCACCTGTTTCTTCCCCACCATTGGGGGCCTTGAAGCAGGAGAGCTGCAGCCCCCA[T>G]CATCCCCAGGTCCTAGCCCAACAAGGCTCAGGCTCCAGCCCTAAGGCCACGGACATCCCT-3'
Protein context (NP_065883.1, residues 219-239): GALKQESCSP[His229Gln]HPQVLAQQGS

ClinVar aggregate classification (germline): Uncertain significance (1 of 4 stars; one submission).

Allele frequency attached by ClinVar (database versions not stated): gnomAD 0.00001; gnomAD exomes 0.00001; ExAC 0.00003; TOPMed 0.00003.
gnomAD v4.1: 12 of 1,604,920 alleles (0.00075%); highest among the groups gnomAD compares: Non-Finnish European, 0.00094%; no homozygotes.

Submission:

Labcorp Genetics (formerly Invitae), Labcorp
Classification: Uncertain significance. Last evaluated: 2025-01-20. Review status: criteria provided, single submitter. Criteria: Invitae Variant Classification Sherloc (09022015). Collection method: clinical testing. Allele origin: germline.
Comment: This sequence change replaces histidine, which is basic and polar, with glutamine, which is neutral and polar, at codon 229 of the ZNF687 protein (p.His229Gln). This variant is present in population databases (rs776328633, gnomAD 0.002%). This variant has not been reported in the literature in individuals affected with ZNF687-related conditions. ClinVar contains an entry for this variant (Variation ID: 2961955). An algorithm developed to predict the effect of missense changes on protein structure and function outputs the following: PolyPhen-2: "Benign". The glutamine amino acid residue is found in multiple mammalian species, which suggests that this missense change does not adversely affect protein function. In summary, the available evidence is currently insufficient to determine the role of this variant in disease. Therefore, it has been classified as a Variant of Uncertain Significance.